The following is an entry in ClinVar:

NM_001080397.3(SLC45A1):c.1506C>T (p.Arg502=)

Gene: SLC45A1 (solute carrier family 45 member 1; plus strand). Cytogenetic location: 1p36.23.
Variant type: single nucleotide variant.
Coding change: c.1506C>T on transcript NM_001080397.3 (MANE Select); coding-DNA position 1506, C replaced by T.
Protein change: p.Arg502=; no amino-acid change (arginine 502 retained).
Molecular consequence: synonymous variant.
Genome position (GRCh38, 1-based): chr1:8,335,499, C>T. VCF-style: chr1-8335499-C-T. GRCh37 (hg19) VCF-style: chr1-8395559-C-T.
Other names: c.1506C>T, p.Arg502= (NM_001379614.1); c.1413C>T, p.Arg471= (NM_001379615.1, NM_001379616.1); c.900C>T, p.Arg300= (NM_001379617.1, NM_001379618.1).
Identifiers: ClinVar variation 5039610 (VCV005039610.1).
Genomic context (GRCh38, chr1:8,335,499, plus strand): 5'-GGCCAATATCCTGCTCAACGGCGTGAAGTATGAGAGCGAGCTGACGGGCTCCAGCGAGCG[C>T]GCGGAGCAGCCTCTGTCCGTGGGGCGCCTCTGCTCCACCATCTGCAACATGCCCAAGGCG-3'
Protein context (NP_001073866.3, residues 492-512): YESELTGSSE[Arg502=]AEQPLSVGRL

ClinVar aggregate classification (germline): Likely benign (1 of 4 stars; one submission).

gnomAD v4.1: 13 of 1,603,120 alleles (0.00081%); highest among the groups gnomAD compares: East Asian, 0.0045%; no homozygotes.

Submission:

CeGaT Center for Human Genetics Tuebingen
Classification: Likely benign. Last evaluated: 2026-08-01. Review status: criteria provided, single submitter. Criteria: CeGaT Center For Human Genetics Tuebingen Variant Classification Criteria Version 2. Collection method: clinical testing. Allele origin: germline. Affected: yes. Observed: 1 variant allele.
Comment: SLC45A1: BP4, BP7